The following is an entry in ClinVar:

NM_206933.4(USH2A):c.836C>T (p.Ala279Val)

Gene: USH2A (usherin; minus strand). Cytogenetic location: 1q41.
Variant type: single nucleotide variant.
Coding change: c.836C>T on transcript NM_206933.4 (MANE Select); coding-DNA position 836, C replaced by T.
Protein change: p.Ala279Val; replaces alanine 279 with valine.
Molecular consequence: missense variant.
Genome position (GRCh38, 1-based): chr1:216,327,603, G>A on the plus strand (C>T on the coding strand, the complement: USH2A is on the minus strand). VCF-style: chr1-216327603-G-A. GRCh37 (hg19) VCF-style: chr1-216500945-G-A.
Other names: c.836C>T, p.Ala279Val (NM_007123.6); short protein forms A279V.
Identifiers: ClinVar variation 1439477 (VCV001439477.6), dbSNP rs2102658782, ClinGen allele CA344912823.

ClinVar aggregate classification (germline): Uncertain significance (1 of 4 stars; one submission).

Submission:

Labcorp Genetics (formerly Invitae), Labcorp
Classification: Uncertain significance. Last evaluated: 2021-12-03. Review status: criteria provided, single submitter. Criteria: Invitae Variant Classification Sherloc (09022015). Collection method: clinical testing. Allele origin: germline.
Comment: In summary, the available evidence is currently insufficient to determine the role of this variant in disease. Therefore, it has been classified as a Variant of Uncertain Significance. This sequence change replaces alanine, which is neutral and non-polar, with valine, which is neutral and non-polar, at codon 279 of the USH2A protein (p.Ala279Val). This variant is not present in population databases (gnomAD no frequency). This variant has not been reported in the literature in individuals affected with USH2A-related conditions. Algorithms developed to predict the effect of missense changes on protein structure and function are either unavailable or do not agree on the potential impact of this missense change (SIFT: "Deleterious"; PolyPhen-2: "Benign"; Align-GVGD: "Class C0"). Algorithms developed to predict the effect of sequence changes on RNA splicing suggest that this variant may create or strengthen a splice site.